The following is an entry in ClinVar:

ClinVar aggregate classification (germline): Benign/Likely benign. Review status: criteria provided, multiple submitters, no conflicts (2 of 4 stars). 3 submissions from 3 submitters: Benign (1); Likely benign (1). 1 of the submissions does not count toward it. Last evaluated 2026-01-25.

Conditions:
PPP2R5C-related disorder. Also called: PPP2R5C-related condition.

Allele frequency attached by ClinVar (database versions not stated): gnomAD exomes 0.00018 and 0.00060; ExAC 0.00066; ESP Exome Variant Server 0.00231; gnomAD 0.00253 and 0.00273; 1000 Genomes Project 30x 0.00265; 1000 Genomes Project 0.00280; TOPMed 0.00281.
gnomAD v4.1: 672 of 1,612,942 alleles (0.042%); highest among the groups gnomAD compares: African/African-American, 0.77%; 2 homozygotes.

Submissions (3):

Labcorp Genetics (formerly Invitae), Labcorp
Classification: Benign. Last evaluated: 2026-01-25. Review status: criteria provided, single submitter. Criteria: Invitae Variant Classification Sherloc (09022015). Collection method: clinical testing. Allele origin: germline.

CeGaT Center for Human Genetics Tuebingen
Classification: Likely benign. Last evaluated: 2023-05-01. Review status: criteria provided, single submitter. Criteria: CeGaT Center For Human Genetics Tuebingen Variant Classification Criteria Version 2. Collection method: clinical testing. Allele origin: germline. Affected: yes. Observed: 1 variant allele.
Comment: PPP2R5C: BP4, BS2

PreventionGenetics, part of Exact Sciences
Classification: Benign for PPP2R5C-related condition. Last evaluated: 2019-07-16. Review status: no assertion criteria provided. Collection method: clinical testing. Allele origin: germline. Not counted in ClinVar's aggregate classification.
Comment: This variant is classified as benign based on ACMG/AMP sequence variant interpretation guidelines (Richards et al. 2015 PMID: 25741868, with internal and published modifications).

NM_001352913.2(PPP2R5C):c.1018-4G>C

Gene: PPP2R5C (protein phosphatase 2 regulatory subunit B'gamma; plus strand). Cytogenetic location: 14q32.31.
Variant type: single nucleotide variant.
Coding change: c.1018-4G>C on transcript NM_001352913.2 (MANE Select); 4 bases into the intron before coding-DNA position 1018, G replaced by C.
Molecular consequence: intron variant.
Genome position (GRCh38, 1-based): chr14:101,901,715, G>C. VCF-style: chr14-101901715-G-C. GRCh37 (hg19) VCF-style: chr14-102368052-G-C.
Other names: c.1033-4G>C (NM_001352914.2); c.1018-4G>C (NM_001161726.2); c.946-4G>C (NM_001161725.2); c.628-4G>C (NM_001352915.2, NM_001352916.2); c.853-4G>C (NM_001352912.1, NM_002719.4, NM_178586.3 and 1 more transcripts).
Identifiers: ClinVar variation 781152 (VCV000781152.36), dbSNP rs141771468, ClinGen allele CA7351206.